The following is an entry in ClinVar:

NM_001184.4(ATR):c.4339C>A (p.Pro1447Thr)

Gene: ATR (ATR checkpoint kinase; minus strand). Cytogenetic location: 3q23.
Variant type: single nucleotide variant.
Coding change: c.4339C>A on transcript NM_001184.4 (MANE Select); coding-DNA position 4339, C replaced by A.
Protein change: p.Pro1447Thr; replaces proline 1447 with threonine.
Molecular consequence: missense variant.
Genome position (GRCh38, 1-based): chr3:142,519,712, G>T on the plus strand (C>A on the coding strand, the complement: ATR is on the minus strand). VCF-style: chr3-142519712-G-T. GRCh37 (hg19) VCF-style: chr3-142238554-G-T.
Other names: c.4147C>A, p.Pro1383Thr (NM_001354579.2); short protein forms P1383T, P1447T.
Identifiers: ClinVar variation 1739834 (VCV001739834.2), dbSNP rs2033060688, ClinGen allele CA354800210.

ClinVar aggregate classification (germline): Uncertain significance (1 of 4 stars; one submission).

Conditions:
Inborn genetic diseases. Identifiers: MedGen C0950123, MeSH D030342.

Submission:

Ambry Genetics
Classification: Uncertain significance for Inborn genetic diseases. Last evaluated: 2021-12-10. Review status: criteria provided, single submitter. Criteria: Ambry Variant Classification Scheme 2023. Collection method: clinical testing. Allele origin: germline.
Comment: The p.P1447T variant (also known as c.4339C>A), located in coding exon 24 of the ATR gene, results from a C to A substitution at nucleotide position 4339. The proline at codon 1447 is replaced by threonine, an amino acid with highly similar properties. This amino acid position is conserved. In addition, the in silico prediction for this alteration is inconclusive. Since supporting evidence is limited at this time, the clinical significance of this alteration remains unclear.